The following is an entry in ClinVar:

ClinVar aggregate classification (germline): Uncertain significance (1 of 4 stars; one submission).

Conditions:
Cardiomyopathy (CMYO). Also called: Cardiomyopathies. Identifiers: Orphanet 167848, MedGen C0878544, MONDO:0004994, HP:0001638. Inheritance: Various modes of inheritance.

Submission:

Color Diagnostics, LLC DBA Color Health
Classification: Uncertain significance for Cardiomyopathy. Last evaluated: 2024-06-17. Review status: criteria provided, single submitter. Criteria: ACMG Guidelines, 2015. Collection method: clinical testing. Allele origin: germline.
Comment: This variant inserts 1 nucleotide in exon 3 of the MYL3 gene, creating a frameshift and premature translation stop signal. This variant is expected to result in an absent or non-functional protein product. To our knowledge, this variant has not been reported in individuals affected with MYL3-related disorders in the literature. This variant has not been identified in the general population by the Genome Aggregation Database (gnomAD). Clinical relevance of loss-of-function MYL3 truncation variants in autosomal dominant cardiovascular disorders is not clearly established. The available evidence is insufficient to determine the role of this variant in disease conclusively. Therefore, this variant is classified as a Variant of Uncertain Significance.

NM_000258.3(MYL3):c.207dup (p.Lys70fs)

Gene: MYL3 (myosin light chain 3; minus strand). Cytogenetic location: 3p21.31.
Variant type: Duplication.
Coding change: c.207dup on transcript NM_000258.3 (MANE Select); coding-DNA position 207, one base duplicated (G; older notation c.207dupG).
Protein change: p.Lys70fs; shifts the reading frame from lysine 70.
Molecular consequence: frameshift variant.
Genome position (GRCh38, 1-based): chr3:46,860,776, C duplicated on the plus strand (G on the coding strand, the reverse complement: MYL3 is on the minus strand). VCF-style (leftmost placement, unchanged base first): chr3-46860775-T-TC. GRCh37 (hg19) VCF-style: chr3-46902265-T-TC.
Other names: c.207dup, p.Lys70fs (NM_001406937.1, NM_001406938.1, NM_001406939.1); c.33dup, p.Lys12fs (NM_001406940.1, NM_001406941.1); short protein forms K12fs, K70fs.
Identifiers: ClinVar variation 3893950 (VCV003893950.1).